The following is an entry in ClinVar:

NC_000001.10:g.(?_21880575)_(21904141_?)dup

Gene: ALPL (alkaline phosphatase, biomineralization associated; plus strand). Cytogenetic location: 1p36.12.
Variant type: Duplication.
Identifiers: ClinVar variation 3247894 (VCV003247894.1).

ClinVar aggregate classification (germline): Uncertain significance (1 of 4 stars; one submission).

Submission:

Labcorp Genetics (formerly Invitae), Labcorp
Classification: Uncertain significance. Last evaluated: 2024-01-06. Review status: criteria provided, single submitter. Criteria: Invitae Variant Classification Sherloc (09022015). Collection method: clinical testing. Allele origin: unknown.
Comment: A copy number gain of the genomic region encompassing the full coding sequence of the ALPL gene has been identified. The boundaries of this event are unknown as they extend beyond the assayed region for this gene and therefore may encompass additional genes. As the precise location of this event is unknown, it may be in tandem or it may be located elsewhere in the genome. This variant has not been reported in the literature in individuals affected with ALPL-related conditions. In summary, the available evidence is currently insufficient to determine the role of this variant in disease. Therefore, it has been classified as a Variant of Uncertain Significance.